The following is an entry in ClinVar:

NM_005458.8(GABBR2):c.847G>C (p.Gly283Arg)

Gene: GABBR2 (gamma-aminobutyric acid type B receptor subunit 2; minus strand). Cytogenetic location: 9q22.33.
Variant type: single nucleotide variant.
Coding change: c.847G>C on transcript NM_005458.8 (MANE Select); coding-DNA position 847, G replaced by C.
Protein change: p.Gly283Arg; replaces glycine 283 with arginine.
Molecular consequence: missense variant.
Genome position (GRCh38, 1-based): chr9:98,473,298, C>G on the plus strand (G>C on the coding strand, the complement: GABBR2 is on the minus strand). VCF-style: chr9-98473298-C-G. GRCh37 (hg19) VCF-style: chr9-101235580-C-G.
Other names: short protein forms G283R.
Identifiers: ClinVar variation 1720404 (VCV001720404.5), dbSNP rs997091411, ClinGen allele CA374351564.

ClinVar aggregate classification (germline): Uncertain significance (1 of 4 stars; one submission).

Conditions:
Epileptic encephalopathy. Identifiers: MedGen C0543888, HP:0200134.

Submission:

Labcorp Genetics (formerly Invitae), Labcorp
Classification: Uncertain significance for Epileptic encephalopathy. Last evaluated: 2025-08-25. Review status: criteria provided, single submitter. Criteria: Invitae Variant Classification Sherloc (09022015). Collection method: clinical testing. Allele origin: germline.
Comment: This sequence change replaces glycine, which is neutral and non-polar, with arginine, which is basic and polar, at codon 283 of the GABBR2 protein (p.Gly283Arg). This variant is not present in population databases (gnomAD no frequency). This variant has not been reported in the literature in individuals affected with GABBR2-related conditions. ClinVar contains an entry for this variant (Variation ID: 1720404). Invitae Evidence Modeling of protein sequence and biophysical properties (such as structural, functional, and spatial information, amino acid conservation, physicochemical variation, residue mobility, and thermodynamic stability) indicates that this missense variant is not expected to disrupt GABBR2 protein function with a negative predictive value of 80%. In summary, the available evidence is currently insufficient to determine the role of this variant in disease. Therefore, it has been classified as a Variant of Uncertain Significance.